The following is an entry in ClinVar:

NM_001330574.2(ZNF711):c.352A>G (p.Ile118Val)

Gene: ZNF711 (ZFX family zinc finger ZNF711; plus strand). Cytogenetic location: Xq21.1.
Variant type: single nucleotide variant.
Coding change: c.352A>G on transcript NM_001330574.2 (MANE Select); coding-DNA position 352, A replaced by G.
Protein change: p.Ile118Val; replaces isoleucine 118 with valine.
Molecular consequence: missense variant.
Genome position (GRCh38, 1-based): chrX:85,255,531, A>G. VCF-style: chrX-85255531-A-G. GRCh37 (hg19) VCF-style: chrX-84510537-A-G.
Other names: c.352A>G, p.Ile118Val (NM_001375431.1, NM_001375432.1, NM_001375433.1 and 5 more transcripts); short protein forms I118V.
Identifiers: ClinVar variation 3389437 (VCV003389437.14).

ClinVar aggregate classification (germline): Likely benign (1 of 4 stars; one submission).

gnomAD v4.1: 22 of 1,210,188 alleles (0.0018%); highest among the groups gnomAD compares: Non-Finnish European, 0.0025%; no homozygotes.

Submission:

CeGaT Center for Human Genetics Tuebingen
Classification: Likely benign. Last evaluated: 2024-10-01. Review status: criteria provided, single submitter. Criteria: CeGaT Center For Human Genetics Tuebingen Variant Classification Criteria Version 2. Collection method: clinical testing. Allele origin: germline. Affected: yes. Observed: 1 variant allele.
Comment: ZNF711: BS2